The following is an entry in ClinVar:

ClinVar aggregate classification (germline): Uncertain significance. Review status: criteria provided, multiple submitters, no conflicts (2 of 4 stars). 2 submissions from 2 submitters: Uncertain significance (2). Last evaluated 2025-12-10.

Conditions:
ALMS1-related disorder. Also called: ALMS1-related condition.
Alstrom syndrome (ALMS). Identifiers: Orphanet 64, MedGen C0268425, MONDO:0008763, OMIM 203800.

Submissions (2):

PreventionGenetics, part of Exact Sciences
Classification: Uncertain significance for ALMS1-related condition. Last evaluated: 2025-12-10. Review status: criteria provided, single submitter. Criteria: ACMG Guidelines, 2015. Collection method: clinical testing. Allele origin: germline.
Comment: The ALMS1 c.7556A>G variant is predicted to result in the amino acid substitution p.Asn2519Ser. To our knowledge, this variant has not been reported in the literature. This variant is reported in 0.0033% of alleles in individuals of South Asian descent in gnomAD. At this time, the clinical significance of this variant is uncertain due to the absence of conclusive functional and genetic evidence.

Labcorp Genetics (formerly Invitae), Labcorp
Classification: Uncertain significance for Alstrom syndrome. Last evaluated: 2022-03-04. Review status: criteria provided, single submitter. Criteria: Invitae Variant Classification Sherloc (09022015). Collection method: clinical testing. Allele origin: germline.
Comment: This sequence change replaces lysine, which is basic and polar, with arginine, which is basic and polar, at codon 2519 of the ALMS1 protein (p.Lys2519Arg). This variant is not present in population databases (gnomAD no frequency). This variant has not been reported in the literature in individuals affected with ALMS1-related conditions. Experimental studies and prediction algorithms are not available or were not evaluated, and the functional significance of this variant is currently unknown. In summary, the available evidence is currently insufficient to determine the role of this variant in disease. Therefore, it has been classified as a Variant of Uncertain Significance.

NM_001378454.1(ALMS1):c.7553A>G (p.Lys2518Arg)

Gene: ALMS1 (ALMS1 centrosome and basal body associated protein; plus strand). Cytogenetic location: 2p13.1.
Variant type: single nucleotide variant.
Coding change: c.7553A>G on transcript NM_001378454.1 (MANE Select); coding-DNA position 7553, A replaced by G.
Protein change: p.Lys2518Arg; replaces lysine 2518 with arginine.
Molecular consequence: missense variant.
Genome position (GRCh38, 1-based): chr2:73,455,174, A>G. VCF-style: chr2-73455174-A-G. GRCh37 (hg19) VCF-style: chr2-73682301-A-G.
Other names: c.7556A>G, p.Lys2519Arg (NM_015120.4); short protein forms K2518R, K2519R.
Identifiers: ClinVar variation 2106255 (VCV002106255.5), dbSNP rs2466115563, ClinGen allele CA347292946.